The following is an entry in ClinVar:

ClinVar aggregate classification (germline): Uncertain significance (1 of 4 stars; one submission).

Conditions:
Inborn genetic diseases. Identifiers: MedGen C0950123, MeSH D030342.

Submission:

Ambry Genetics
Classification: Uncertain significance for Inborn genetic diseases. Last evaluated: 2021-12-08. Review status: criteria provided, single submitter. Criteria: Ambry Variant Classification Scheme 2023. Collection method: clinical testing. Allele origin: germline.
Comment: The c.1598_1599delGGinsTT (p.W533F) alteration, located in exon 12 (coding exon 11) of the LARP7 gene, consists of an in-frame substitution of 2 nucleotides from position 1598 to 1599, resulting in the insertion of 1 residue. Based on insufficient or conflicting evidence, the clinical significance of this alteration remains unclear.

NM_016648.4(LARP7):c.1598_1599delinsTT (p.Trp533Phe)

Gene: LARP7 (La ribonucleoprotein 7, transcriptional regulator; plus strand). Cytogenetic location: 4q25.
Variant type: Indel.
Coding change: c.1598_1599delinsTT on transcript NM_016648.4 (MANE Select); coding-DNA positions 1598 to 1599, GG replaced by TT.
Protein change: p.Trp533Phe; replaces tryptophan 533 with phenylalanine.
Molecular consequence: missense variant.
Genome position (GRCh38, 1-based): chr4:112,654,089-112,654,090, GG replaced by TT. VCF-style: chr4-112654089-GG-TT. GRCh37 (hg19) VCF-style: chr4-113575245-GG-TT.
Other names: c.1598_1599delinsTT, p.Trp533Phe (NM_001267039.4, NM_001370978.1, NM_015454.3); c.1637_1638delinsTT, p.Trp546Phe (NM_001370974.1, NM_001370975.1); c.1634_1635delinsTT, p.Trp545Phe (NM_001370976.1, NM_001370977.1); c.1595_1596delinsTT, p.Trp532Phe (NM_001370979.1, NM_001370980.1); c.1361_1362delinsTT, p.Trp454Phe (NM_001370981.1, NM_001370982.1); short protein forms W533F, W545F, W454F, W546F, W532F.
Identifiers: ClinVar variation 2257812 (VCV002257812.2), dbSNP rs2477915271, ClinGen allele CA2580071367.